The following is an entry in ClinVar:

NC_000019.10:g.48968921G>A

Genes: FTL (ferritin light chain; plus strand), GYS1 (glycogen synthase 1; minus strand). Cytogenetic location: 19q13.33.
Variant type: single nucleotide variant.
Molecular consequence: 3 prime UTR variant (on NM_002103.5). On other transcripts: non-coding transcript variant (1).
Genome position: GRCh38 VCF-style: chr19-48968921-G-A. GRCh37 (hg19) VCF-style: chr19-49472178-G-A.
Other names: c.*367C>T (NM_001161587.2, NM_002103.5).
Identifiers: ClinVar variation 3029216 (VCV003029216.2), dbSNP rs866542551, ClinGen allele CA309379395.

ClinVar aggregate classification (germline): Likely benign (0 of 4 stars; one submission).

Conditions:
FTL-related disorder. Also called: FTL-related condition.

Allele frequency attached by ClinVar (database versions not stated): gnomAD 0.00007; TOPMed 0.00007; gnomAD exomes 0.00008.
gnomAD v4.1: 43 of 501,704 alleles (0.0086%); highest among the groups gnomAD compares: Middle Eastern, 0.12%; no homozygotes.

Submission:

PreventionGenetics, part of Exact Sciences
Classification: Likely benign for FTL-related condition. Last evaluated: 2023-08-06. Review status: no assertion criteria provided. Collection method: clinical testing. Allele origin: germline.
Comment: This variant is classified as likely benign based on ACMG/AMP sequence variant interpretation guidelines (Richards et al. 2015 PMID: 25741868, with internal and published modifications).